The following is an entry in ClinVar:

ClinVar aggregate classification (germline): Uncertain significance (1 of 4 stars; one submission).

Submission:

GeneDx
Classification: Uncertain significance. Last evaluated: 2024-06-28. Review status: criteria provided, single submitter. Criteria: GeneDx Variant Classification Process June 2021. Collection method: clinical testing. Allele origin: germline. Affected: yes.
Comment: Not observed at significant frequency in large population cohorts (gnomAD); In silico analysis supports that this missense variant has a deleterious effect on protein structure/function; Has not been previously published as pathogenic or benign to our knowledge

NM_002069.6(GNAI1):c.448G>A (p.Asp150Asn)

Gene: GNAI1 (G protein subunit alpha i1; plus strand). Cytogenetic location: 7q21.11.
Variant type: single nucleotide variant.
Coding change: c.448G>A on transcript NM_002069.6 (MANE Select); coding-DNA position 448, G replaced by A.
Protein change: p.Asp150Asn; replaces aspartic acid 150 with asparagine.
Molecular consequence: missense variant.
Genome position (GRCh38, 1-based): chr7:80,199,369, G>A. VCF-style: chr7-80199369-G-A. GRCh37 (hg19) VCF-style: chr7-79828685-G-A.
Other names: c.292G>A, p.Asp98Asn (NM_001256414.2); short protein forms D98N, D150N.
Identifiers: ClinVar variation 3393633 (VCV003393633.1).